The following is an entry in ClinVar:

NM_015021.3(ZNF292):c.7721T>C (p.Ile2574Thr)

Gene: ZNF292 (zinc finger protein 292; plus strand). Cytogenetic location: 6q14.3.
Variant type: single nucleotide variant.
Coding change: c.7721T>C on transcript NM_015021.3 (MANE Select); coding-DNA position 7721, T replaced by C.
Protein change: p.Ile2574Thr; replaces isoleucine 2574 with threonine.
Molecular consequence: missense variant.
Genome position (GRCh38, 1-based): chr6:87,261,350, T>C. VCF-style: chr6-87261350-T-C. GRCh37 (hg19) VCF-style: chr6-87971068-T-C.
Other names: c.7301T>C, p.Ile2434Thr (NM_001351444.2); short protein forms I2434T, I2574T.
Identifiers: ClinVar variation 3024716 (VCV003024716.23), dbSNP rs114321262, ClinGen allele CA3914855.
Genomic context (GRCh38, chr6:87,261,350, plus strand): 5'-CAGCAGCTGAGTTAAGTAGCGTGCGTAAAGAAGAAGAAACTGCTGTTGCCATTCAAACCA[T>C]TGAGGAGCATCCTGCATCTTTTGACTGGAGCTCTTTTAAGCCAATGGGATTTGAAGTATC-3'
Protein context (NP_055836.1, residues 2564-2584): EEETAVAIQT[Ile2574Thr]EEHPASFDWS

ClinVar aggregate classification (germline): Likely benign. Review status: criteria provided, multiple submitters, no conflicts (2 of 4 stars). 2 submissions from 2 submitters: Likely benign (2). Last evaluated 2025-09-01.

Allele frequency attached by ClinVar (database versions not stated): gnomAD exomes 0.00032; ExAC 0.00109; gnomAD 0.00368; TOPMed 0.00389; ESP Exome Variant Server 0.00408; 1000 Genomes Project 0.00559; 1000 Genomes Project 30x 0.00578.
gnomAD v4.1: 1,043 of 1,613,380 alleles (0.065%); highest among the groups gnomAD compares: African/African-American, 1.2%; 3 homozygotes.

Submissions (2):

CeGaT Center for Human Genetics Tuebingen
Classification: Likely benign. Last evaluated: 2025-09-01. Review status: criteria provided, single submitter. Criteria: CeGaT Center For Human Genetics Tuebingen Variant Classification Criteria Version 2. Collection method: clinical testing. Allele origin: germline. Affected: yes. Observed: 3 variant alleles.
Comment: ZNF292: BP4, BS1

Blueprint Genetics
Classification: Likely benign. Last evaluated: 2024-11-12. Review status: criteria provided, single submitter. Criteria: ACMG Guidelines, 2015. Collection method: clinical testing. Allele origin: germline.